The following is an entry in ClinVar:

NM_000036.3(AMPD1):c.950G>A (p.Arg317His)

Gene: AMPD1 (adenosine monophosphate deaminase 1; minus strand). Cytogenetic location: 1p13.2.
Variant type: single nucleotide variant.
Coding change: c.950G>A on transcript NM_000036.3 (MANE Select); coding-DNA position 950, G replaced by A.
Protein change: p.Arg317His; replaces arginine 317 with histidine.
Molecular consequence: missense variant.
Genome position (GRCh38, 1-based): chr1:114,678,475, C>T on the plus strand (G>A on the coding strand, the complement: AMPD1 is on the minus strand). VCF-style: chr1-114678475-C-T. GRCh37 (hg19) VCF-style: chr1-115221096-C-T.
Other names: c.938G>A, p.Arg313His (NM_001172626.2); c.1049G>A (NM_000036.2); short protein forms R313H, R317H.
Identifiers: ClinVar variation 1396182 (VCV001396182.7), dbSNP rs142123340, ClinGen allele CA1020255.

ClinVar aggregate classification (germline): Uncertain significance. Review status: criteria provided, multiple submitters, no conflicts (2 of 4 stars). 2 submissions from 2 submitters: Uncertain significance (2). Last evaluated 2022-07-14.

Conditions:
Muscle AMP deaminase deficiency (MMDD). Also called: Myoadenylate deaminase deficiency, myopathy due to; Adenosine monophosphate deaminase 1 deficiency; AMP deaminase 1 deficiency; Adenosine Monophosphate Deaminase 1; AMPD1 DEFICIENCY; ADENOSINE MONOPHOSPHATE DEAMINASE-1 DEFICIENCY, MYOPATHY DUE TO. Identifiers: Orphanet 45, MedGen C3714933, MONDO:0014220, OMIM 615511.

Allele frequency attached by ClinVar (database versions not stated): gnomAD 0.00001 and 0.00003; TOPMed 0.00002; ExAC 0.00004; gnomAD exomes 0.00006; ESP Exome Variant Server 0.00008; 1000 Genomes Project 30x 0.00031; 1000 Genomes Project 0.00040.
gnomAD v4.1: 40 of 1,614,168 alleles (0.0025%); highest among the groups gnomAD compares: South Asian, 0.024%; no homozygotes.

Submissions (2):

Revvity Omics, Revvity
Classification: Uncertain significance for Muscle AMP deaminase deficiency. Last evaluated: 2022-07-14. Review status: criteria provided, single submitter. Criteria: ACMG Guidelines, 2015. Collection method: clinical testing. Allele origin: germline.

Labcorp Genetics (formerly Invitae), Labcorp
Classification: Uncertain significance for Muscle AMP deaminase deficiency. Last evaluated: 2021-09-24. Review status: criteria provided, single submitter. Criteria: Invitae Variant Classification Sherloc (09022015). Collection method: clinical testing. Allele origin: germline.
Comment: This sequence change replaces arginine with histidine at codon 350 of the AMPD1 protein (p.Arg350His). The arginine residue is highly conserved and there is a small physicochemical difference between arginine and histidine. This variant is present in population databases (rs142123340, ExAC 0.01%). This variant has not been reported in the literature in individuals with AMPD1-related conditions. Algorithms developed to predict the effect of missense changes on protein structure and function are either unavailable or do not agree on the potential impact of this missense change (SIFT: "Deleterious"; PolyPhen-2: "Benign"; Align-GVGD: "Class C0"). In summary, the available evidence is currently insufficient to determine the role of this variant in disease. Therefore, it has been classified as a Variant of Uncertain Significance.